The following is an entry in ClinVar:

NM_020754.4(ARHGAP31):c.985G>A (p.Val329Met)

Gene: ARHGAP31 (Rho GTPase activating protein 31; plus strand). Cytogenetic location: 3q13.33.
Variant type: single nucleotide variant.
Coding change: c.985G>A on transcript NM_020754.4 (MANE Select); coding-DNA position 985, G replaced by A.
Protein change: p.Val329Met; replaces valine 329 with methionine.
Molecular consequence: missense variant.
Genome position (GRCh38, 1-based): chr3:119,393,570, G>A. VCF-style: chr3-119393570-G-A. GRCh37 (hg19) VCF-style: chr3-119112417-G-A.
Other names: short protein forms V329M.
Identifiers: ClinVar variation 4885406 (VCV004885406.2).

ClinVar aggregate classification (germline): Uncertain significance (1 of 4 stars; one submission).

Submission:

Dasa
Classification: Uncertain significance. Last evaluated: 2026-04-10. Review status: criteria provided, single submitter. Criteria: DASA Assertion Criteria. Collection method: clinical testing. Allele origin: germline.
Comment: NM_020754.4(ARHGAP31):c.985G>A (p.Val329Met) is a missense variant that results in the substitution of valine with methionine. This variant is rare in population databases. Computational prediction algorithms are consistent with a benign effect. The currently available literature and clinical evidence are not sufficient to establish a definitive association between this variant and the reported condition. Therefore, this variant is classified as a variant of uncertain significance.